The following is an entry in ClinVar:

ClinVar aggregate classification (germline): Uncertain significance (1 of 4 stars; one submission).

Conditions:
MIB1-related disorder. Also called: MIB1-related condition.

Submission:

PreventionGenetics, part of Exact Sciences
Classification: Uncertain significance for MIB1-related condition. Last evaluated: 2025-04-18. Review status: criteria provided, single submitter. Criteria: ACMG Guidelines, 2015. Collection method: clinical testing. Allele origin: germline.
Comment: The MIB1 c.651_657dup7 variant is predicted to result in a frameshift and premature protein termination (p.Asp220Cysfs*19). To our knowledge, this variant has not been reported in the literature or in a large population database (gnomAD), indicating this variant is rare. Loss of function is not an established mechanism of MIB1-related disease. At this time, the clinical significance of this variant is uncertain due to the absence of conclusive functional and genetic evidence.

NM_020774.4(MIB1):c.651_657dup (p.Asp220fs)

Gene: MIB1 (MIB E3 ubiquitin protein ligase 1; plus strand). Cytogenetic location: 18q11.2.
Variant type: Duplication.
Coding change: c.651_657dup on transcript NM_020774.4 (MANE Select); coding-DNA positions 651 to 657, 7 bases duplicated (TGTCCAG; older notation c.651_657dupTGTCCAG).
Protein change: p.Asp220fs; shifts the reading frame from aspartic acid 220.
Molecular consequence: frameshift variant.
Genome position (GRCh38, 1-based): chr18:21,778,117-21,778,123, TGTCCAG duplicated; duplicating any 7 consecutive bases within chr18:21,778,116-21,778,123 gives the same sequence; the c. name uses the placement nearest the transcript's 3' end. VCF-style (leftmost placement, unchanged base first): chr18-21778115-T-TGTGTCCA. GRCh37 (hg19) VCF-style: chr18-19358076-T-TGTGTCCA.
Other names: c.651_657dup7 (NM_020774.3); short protein forms D220fs.
Identifiers: ClinVar variation 5002495 (VCV005002495.1).